The following is an entry in ClinVar:

NM_000140.5(FECH):c.14_15delinsAA (p.Gly5Glu)

Genes: FECH (ferrochelatase; minus strand), LOC130062560 (ATAC-STARR-seq lymphoblastoid silent region 9481; plus strand). Cytogenetic location: 18q21.31.
Variant type: Indel.
Coding change: c.14_15delinsAA on transcript NM_000140.5 (MANE Select); coding-DNA positions 14 to 15, GC replaced by AA.
Protein change: p.Gly5Glu; replaces glycine 5 with glutamic acid.
Molecular consequence: missense variant. On other transcripts: 5 prime UTR variant (1).
Genome position (GRCh38, 1-based): chr18:57,586,606-57,586,607, GC replaced by TT on the plus strand (GC replaced by AA on the coding strand, the reverse complement: FECH is on the minus strand). VCF-style: chr18-57586606-GC-TT. GRCh37 (hg19) VCF-style: chr18-55253838-GC-TT.
Other names: c.14_15delinsAA, p.Gly5Glu (NM_001012515.4, NM_001371094.1, NM_001374778.1); c.-313_-312delinsAA (NM_001371095.1); short protein forms G5E.
Identifiers: ClinVar variation 1002019 (VCV001002019.7), dbSNP rs796155658, ClinGen allele CA300842858.

ClinVar aggregate classification (germline): Uncertain significance (1 of 4 stars; one submission).

Submission:

Labcorp Genetics (formerly Invitae), Labcorp
Classification: Uncertain significance. Last evaluated: 2024-11-25. Review status: criteria provided, single submitter. Criteria: Invitae Variant Classification Sherloc (09022015). Collection method: clinical testing. Allele origin: germline.
Comment: This sequence change replaces glycine, which is neutral and non-polar, with glutamic acid, which is acidic and polar, at codon 5 of the FECH protein (p.Gly5Glu). This variant is present in population databases (rs796155658, gnomAD 0.01%). This variant has not been reported in the literature in individuals affected with FECH-related conditions. ClinVar contains an entry for this variant (Variation ID: 1002019). An algorithm developed to predict the effect of missense changes on protein structure and function (PolyPhen-2) suggests that this variant is likely to be disruptive. In summary, the available evidence is currently insufficient to determine the role of this variant in disease. Therefore, it has been classified as a Variant of Uncertain Significance.